The following is an entry in ClinVar:

ClinVar aggregate classification (germline): Uncertain significance. Review status: criteria provided, multiple submitters, no conflicts (2 of 4 stars). 2 submissions from 2 submitters: Uncertain significance (2). Last evaluated 2025-12-22.

Conditions:
Inborn genetic diseases. Identifiers: MedGen C0950123, MeSH D030342.
Dextro-looped transposition of the great arteries. Also called: Dextrotransposition of the great arteries. Identifiers: Orphanet 860, MedGen C3531771, MONDO:0019443, OMIM 608808, HP:0031348.

gnomAD v4.1: 7 of 1,613,862 alleles (0.00043%); highest among the groups gnomAD compares: Non-Finnish European, 0.00059%; no homozygotes.

Submissions (2):

Labcorp Genetics (formerly Invitae), Labcorp
Classification: Uncertain significance for Dextro-looped transposition of the great arteries. Last evaluated: 2025-12-22. Review status: criteria provided, single submitter. Criteria: Invitae Variant Classification Sherloc (09022015). Collection method: clinical testing. Allele origin: germline.
Comment: This sequence change replaces aspartic acid, which is acidic and polar, with asparagine, which is neutral and polar, at codon 820 of the MED13L protein (p.Asp820Asn). This variant is not present in population databases (gnomAD no frequency). This variant has not been reported in the literature in individuals affected with MED13L-related conditions. ClinVar contains an entry for this variant (Variation ID: 4053454). Invitae Evidence Modeling of protein sequence and biophysical properties (such as structural, functional, and spatial information, amino acid conservation, physicochemical variation, residue mobility, and thermodynamic stability) indicates that this missense variant is expected to disrupt MED13L protein function with a positive predictive value of 80%. In summary, the available evidence is currently insufficient to determine the role of this variant in disease. Therefore, it has been classified as a Variant of Uncertain Significance.

Ambry Genetics
Classification: Uncertain significance for Inborn genetic diseases. Last evaluated: 2025-04-09. Review status: criteria provided, single submitter. Criteria: Ambry Variant Classification Scheme 2023. Collection method: clinical testing. Allele origin: germline.

NM_015335.5(MED13L):c.2458G>A (p.Asp820Asn)

Gene: MED13L (mediator complex subunit 13L; minus strand). Cytogenetic location: 12q24.21.
Variant type: single nucleotide variant.
Coding change: c.2458G>A on transcript NM_015335.5 (MANE Select); coding-DNA position 2458, G replaced by A.
Protein change: p.Asp820Asn; replaces aspartic acid 820 with asparagine.
Molecular consequence: missense variant.
Genome position (GRCh38, 1-based): chr12:116,005,880, C>T on the plus strand (G>A on the coding strand, the complement: MED13L is on the minus strand). VCF-style: chr12-116005880-C-T. GRCh37 (hg19) VCF-style: chr12-116443685-C-T.
Other names: short protein forms D820N.
Identifiers: ClinVar variation 4053454 (VCV004053454.2).